The following is an entry in ClinVar:

NM_182961.4(SYNE1):c.8106G>T (p.Val2702=)

Gene: SYNE1 (spectrin repeat containing nuclear envelope protein 1; minus strand). Cytogenetic location: 6q25.2.
Variant type: single nucleotide variant.
Coding change: c.8106G>T on transcript NM_182961.4 (MANE Select); coding-DNA position 8106, G replaced by T.
Protein change: p.Val2702=; no amino-acid change (valine 2702 retained).
Molecular consequence: synonymous variant.
Genome position (GRCh38, 1-based): chr6:152,390,351, C>A on the plus strand (G>T on the coding strand, the complement: SYNE1 is on the minus strand). VCF-style: chr6-152390351-C-A. GRCh37 (hg19) VCF-style: chr6-152711486-C-A.
Other names: c.8127G>T, p.Val2709= (NM_033071.5); c.8127G>T (NM_033071.3).
Identifiers: ClinVar variation 1132767 (VCV001132767.10), dbSNP rs770378849, ClinGen allele CA4057617.

ClinVar aggregate classification (germline): Likely benign. Review status: criteria provided, multiple submitters, no conflicts (2 of 4 stars). 2 submissions from 2 submitters: Likely benign (2). Last evaluated 2026-09-21.

Conditions:
Autosomal recessive ataxia, Beauce type. Also called: ATAXIA, RECESSIVE, OF BEAUCE; Spinocerebellar ataxia, autosomal recessive 8; SYNE1-Related Autosomal Recessive Cerebellar Ataxia; SYNE1 Deficiency. Identifiers: Orphanet 88644, MedGen C1853116, MONDO:0012549, OMIM 610743.
Emery-Dreifuss muscular dystrophy 4, autosomal dominant (EDMD4). Also called: EMERY-DREIFUSS MUSCULAR DYSTROPHY 4 WITH VARIABLE FEATURES. Identifiers: Orphanet 261, MedGen C2751807, MONDO:0013071, OMIM 612998.
SYNE1-related disorder. Also called: SYNE1-related disorders; SYNE1-related disease; SYNE1-related condition.

Allele frequency attached by ClinVar (database versions not stated): gnomAD 0.00001; ExAC 0.00002; TOPMed 0.00002; gnomAD exomes 0.00004.
gnomAD v4.1: 61 of 1,614,034 alleles (0.0038%); highest among the groups gnomAD compares: Middle Eastern, 0.15%; no homozygotes.

Submissions (2):

PreventionGenetics, part of Exact Sciences
Classification: Likely benign for SYNE1-related condition. Last evaluated: 2026-09-21. Review status: criteria provided, single submitter. Criteria: ACMG Guidelines, 2015. Collection method: clinical testing. Allele origin: germline.
Comment: This variant is classified as likely benign based on ACMG/AMP sequence variant interpretation guidelines (Richards et al. 2015 PMID: 25741868, with internal and published modifications).

Labcorp Genetics (formerly Invitae), Labcorp
Classification: Likely benign for Emery-Dreifuss muscular dystrophy 4, autosomal dominant; Autosomal recessive ataxia, Beauce type. Last evaluated: 2025-08-18. Review status: criteria provided, single submitter. Criteria: Invitae Variant Classification Sherloc (09022015). Collection method: clinical testing. Allele origin: germline.